The following is an entry in ClinVar:

ClinVar aggregate classification (germline): Uncertain significance (1 of 4 stars; one submission).

gnomAD v4.1: 5 of 1,613,976 alleles (0.00031%); highest among the groups gnomAD compares: Non-Finnish European, 0.00042%; no homozygotes.

Submission:

Labcorp Genetics (formerly Invitae), Labcorp
Classification: Uncertain significance. Last evaluated: 2024-04-29. Review status: criteria provided, single submitter. Criteria: Invitae Variant Classification Sherloc (09022015). Collection method: clinical testing. Allele origin: germline.
Comment: This sequence change replaces valine, which is neutral and non-polar, with leucine, which is neutral and non-polar, at codon 580 of the WFS1 protein (p.Val580Leu). This variant is not present in population databases (gnomAD no frequency). This variant has not been reported in the literature in individuals affected with WFS1-related conditions. Advanced modeling of protein sequence and biophysical properties (such as structural, functional, and spatial information, amino acid conservation, physicochemical variation, residue mobility, and thermodynamic stability) performed at Invitae indicates that this missense variant is not expected to disrupt WFS1 protein function with a negative predictive value of 95%. In summary, the available evidence is currently insufficient to determine the role of this variant in disease. Therefore, it has been classified as a Variant of Uncertain Significance.

NM_006005.3(WFS1):c.1738G>C (p.Val580Leu)

Gene: WFS1 (wolframin ER transmembrane glycoprotein; plus strand). Cytogenetic location: 4p16.1.
Variant type: single nucleotide variant.
Coding change: c.1738G>C on transcript NM_006005.3 (MANE Select); coding-DNA position 1738, G replaced by C.
Protein change: p.Val580Leu; replaces valine 580 with leucine.
Molecular consequence: missense variant.
Genome position (GRCh38, 1-based): chr4:6,301,533, G>C. VCF-style: chr4-6301533-G-C. GRCh37 (hg19) VCF-style: chr4-6303260-G-C.
Other names: c.1738G>C, p.Val580Leu (NM_001145853.1); short protein forms V580L.
Identifiers: ClinVar variation 2789930 (VCV002789930.3), dbSNP rs1730914178, ClinGen allele CA356176699.